The following is an entry in ClinVar:

ClinVar aggregate classification (germline): Uncertain significance (1 of 4 stars; one submission).

Allele frequency attached by ClinVar (database versions not stated): gnomAD exomes below 0.00001 and 0.00001.
gnomAD v4.1: 8 of 1,595,988 alleles (0.0005%); highest among the groups gnomAD compares: Non-Finnish European, 0.00051%; no homozygotes.

Submission:

Labcorp Genetics (formerly Invitae), Labcorp
Classification: Uncertain significance. Last evaluated: 2022-08-16. Review status: criteria provided, single submitter. Criteria: Invitae Variant Classification Sherloc (09022015). Collection method: clinical testing. Allele origin: germline.
Comment: In summary, the available evidence is currently insufficient to determine the role of this variant in disease. Therefore, it has been classified as a Variant of Uncertain Significance. Variants that disrupt the consensus splice site are a relatively common cause of aberrant splicing (PMID: 17576681, 9536098). Algorithms developed to predict the effect of sequence changes on RNA splicing suggest that this variant is not likely to affect RNA splicing. ClinVar contains an entry for this variant (Variation ID: 1015121). This variant has not been reported in the literature in individuals affected with DHX38-related conditions. This variant is present in population databases (no rsID available, gnomAD 0.002%). This sequence change falls in intron 24 of the DHX38 gene. It does not directly change the encoded amino acid sequence of the DHX38 protein. It affects a nucleotide within the consensus splice site.

Literature cited by the submitters: PubMed 17576681; PubMed 9536098.

NM_014003.4(DHX38):c.3381+4A>C

Gene: DHX38 (DEAH-box helicase 38; plus strand). Cytogenetic location: 16q22.2.
Variant type: single nucleotide variant.
Coding change: c.3381+4A>C on transcript NM_014003.4 (MANE Select); 4 bases into the intron after coding-DNA position 3381, A replaced by C.
Molecular consequence: intron variant.
Genome position (GRCh38, 1-based): chr16:72,108,929, A>C. VCF-style: chr16-72108929-A-C. GRCh37 (hg19) VCF-style: chr16-72142828-A-C.
Identifiers: ClinVar variation 1015121 (VCV001015121.8), dbSNP rs1286801883, ClinGen allele CA623284698.